The following is an entry in ClinVar:

NM_001369268.1(ACAN):c.5970del (p.Gly1990_Leu1991insTer)

Gene: ACAN (aggrecan; plus strand). Cytogenetic location: 15q26.1.
Variant type: Deletion.
Coding change: c.5970del on transcript NM_001369268.1 (MANE Select); coding-DNA position 5970, one base deleted (G; older notation c.5970delG).
Protein change: p.Gly1990_Leu1991insTer.
Molecular consequence: frameshift variant.
Genome position (GRCh38, 1-based): chr15:88,858,555, G deleted; the last of 3 consecutive G bases (chr15:88,858,553-88,858,555); deleting any one gives the same sequence. VCF-style (leftmost placement, unchanged base first): chr15-88858552-CG-C. GRCh37 (hg19) VCF-style: chr15-89401783-CG-C.
Other names: c.5970del, p.Gly1990_Leu1991insTer (NM_001135.4, NM_001411096.1, NM_001411097.1 and 1 more transcripts).
Identifiers: ClinVar variation 4527023 (VCV004527023.1).
Genomic context (GRCh38, chr15:88,858,552, plus strand): 5'-TGGAGCACCAGACATGTCTGGGGAGCATTCTGGATTTCTGGACCTAAGTGGGCTGCAGTC[CG>C]GGCTGATAGAGCCCAGCGGAGAGCCACCAGGTACTCCATATTTTAGTGGGGATTTTGCCA-3'

ClinVar aggregate classification (germline): Pathogenic (1 of 4 stars; one submission).

Submission:

GeneDx
Classification: Pathogenic. Last evaluated: 2025-04-25. Review status: criteria provided, single submitter. Criteria: GeneDx Variant Classification Process June 2021. Collection method: clinical testing. Allele origin: germline. Affected: yes.
Comment: Nonsense variant predicted to result in protein truncation or nonsense mediated decay in a gene for which loss of function is a known mechanism of disease; Not observed at significant frequency in large population cohorts (gnomAD); Has not been previously published as pathogenic or benign to our knowledge